The following is an entry in ClinVar:

ClinVar aggregate classification (germline): Uncertain significance (1 of 4 stars; one submission).

Conditions:
Atypical hemolytic-uremic syndrome. Identifiers: Orphanet 2134, MedGen C2931788, MONDO:0016244.

Submission:

Genomenon, Inc
Classification: Uncertain significance for Atypical hemolytic-uremic syndrome. Last evaluated: 2025-10-02. Review status: criteria provided, single submitter. Criteria: Genomenon Sequence Variant Interpretation Standards - Updated. Collection method: curation. Allele origin: germline. Affected: yes.
Comment: CFH p.Cys536Phe (c.1607G>T) is a missense variant that changes the amino acid at residue 536 from Cysteine to Phenylalanine. This variant has been observed in at least one proband affected with atypical hemolytic-uremic syndrome (PMID:30890598). It is absent or not present at a significant frequency in gnomAD. In silico models agree that this variant is possibly or probably damaging. In conclusion, we classify CFH p.Cys536Phe (c.1607G>T) as a variant of uncertain significance.

Literature cited by the submitters: PubMed 30890598.

NM_000186.4(CFH):c.1607G>T (p.Cys536Phe)

Gene: CFH (complement factor H; plus strand). Cytogenetic location: 1q31.3.
Variant type: single nucleotide variant.
Coding change: c.1607G>T on transcript NM_000186.4 (MANE Select); coding-DNA position 1607, G replaced by T.
Protein change: p.Cys536Phe; replaces cysteine 536 with phenylalanine.
Molecular consequence: missense variant.
Genome position (GRCh38, 1-based): chr1:196,715,680, G>T. VCF-style: chr1-196715680-G-T. GRCh37 (hg19) VCF-style: chr1-196684810-G-T.
Other names: short protein forms C536F.
Identifiers: ClinVar variation 4291400 (VCV004291400.1).
Genomic context (GRCh38, chr1:196,715,680, plus strand): 5'-ATGCCAGAACTAAAAATGACTTCACATGGTTTAAGCTGAATGACACATTGGACTATGAAT[G>T]CCATGATGGTTATGAAAGCAATACTGGAAGCACCACTGGTTCCATAGTGTGTGGTTACAA-3'
Protein context (NP_000177.2, residues 526-546): FKLNDTLDYE[Cys536Phe]HDGYESNTGS